The following is an entry in ClinVar:

ClinVar aggregate classification (germline): Uncertain significance (1 of 4 stars; one submission).

gnomAD v4.1: 1 of 1,613,002 alleles (0.000062%); highest among the groups gnomAD compares: African/African-American, 0.0013%; no homozygotes.

Submission:

Ambry Genetics
Classification: Uncertain significance. Last evaluated: 2025-01-06. Review status: criteria provided, single submitter. Criteria: Ambry Variant Classification Scheme 2023. Collection method: clinical testing. Allele origin: germline.
Comment: The p.D718Y variant (also known as c.2152G>T), located in coding exon 4 of the CDK12 gene, results from a G to T substitution at nucleotide position 2152. The aspartic acid at codon 718 is replaced by tyrosine, an amino acid with highly dissimilar properties. This amino acid position is conserved. In addition, this alteration is predicted to be deleterious by in silico analysis. Based on the available evidence, the clinical significance of this variant remains unclear.

NM_016507.4(CDK12):c.2152G>T (p.Asp718Tyr)

Gene: CDK12 (cyclin dependent kinase 12; plus strand). Cytogenetic location: 17q12.
Variant type: single nucleotide variant.
Coding change: c.2152G>T on transcript NM_016507.4 (MANE Select); coding-DNA position 2152, G replaced by T.
Protein change: p.Asp718Tyr; replaces aspartic acid 718 with tyrosine.
Molecular consequence: missense variant.
Genome position (GRCh38, 1-based): chr17:39,492,794, G>T. VCF-style: chr17-39492794-G-T. GRCh37 (hg19) VCF-style: chr17-37649047-G-T.
Other names: c.2152G>T, p.Asp718Tyr (NM_015083.4); short protein forms D718Y.
Identifiers: ClinVar variation 3830460 (VCV003830460.1).
Genomic context (GRCh38, chr17:39,492,794, plus strand): 5'-TTGTTTTTACTTTTTAGAATTTGTTGTCCTCGTTATGGAGAAAGAAGACAAACAGAAAGC[G>T]ACTGGGGGAAACGCTGTGTGGACAAGTTTGACATTATTGGGATTATTGGAGAAGGAACCT-3'
Protein context (NP_057591.2, residues 708-728): RYGERRQTES[Asp718Tyr]WGKRCVDKFD